The following is an entry in ClinVar:

ClinVar aggregate classification (germline): Benign. Review status: criteria provided, multiple submitters, no conflicts (2 of 4 stars). 8 submissions from 6 submitters: Benign (8). Last evaluated 2026-02-03.

Conditions:
Retinitis pigmentosa (RP). Identifiers: Orphanet 791, MedGen C0035334, MeSH D012174, MONDO:0019200, OMIM 268000. Inheritance: Autosomal dominant, autosomal recessive and X linked inheritance.
Congenital stationary night blindness autosomal dominant 1. Also called: NIGHT BLINDNESS, CONGENITAL STATIONARY, RHODOPSIN-RELATED. Identifiers: Orphanet 215, MedGen C1864869, MONDO:0012498, OMIM 610445.
Pigmentary retinal dystrophy. Also called: Fundus albipunctatus. Identifiers: Orphanet 227796, Orphanet 52427, MedGen C0311338, MONDO:0007639, OMIM 136880, HP:0030642.
Retinitis pigmentosa 4 (RP4). Also called: RETINITIS PIGMENTOSA, RHODOPSIN-RELATED. Identifiers: Orphanet 791, MedGen C3151001, MONDO:0013395, OMIM 613731.

Allele frequency attached by ClinVar (database versions not stated): gnomAD 0.07633 and 0.07811; TOPMed 0.08018; gnomAD exomes 0.08151 and 0.08505; ESP Exome Variant Server 0.08196; ExAC 0.08236; 1000 Genomes Project 0.08566; 1000 Genomes Project 30x 0.08760.
gnomAD v4.1: 136,699 of 1,613,784 alleles (8.5%); highest among the groups gnomAD compares: Middle Eastern, 13%; 6,274 homozygotes.

Submissions (8):

Labcorp Genetics (formerly Invitae), Labcorp
Classification: Benign. Last evaluated: 2026-02-03. Review status: criteria provided, single submitter. Criteria: Invitae Variant Classification Sherloc (09022015). Collection method: clinical testing. Allele origin: germline.

Genome-Nilou Lab
Classification: Benign for Retinitis pigmentosa 4. Last evaluated: 2021-11-07. Review status: criteria provided, single submitter. Criteria: ACMG Guidelines, 2015. Collection method: clinical testing. Allele origin: germline. Affected: no.

Genome-Nilou Lab
Classification: Benign for Pigmentary retinal dystrophy. Last evaluated: 2021-11-07. Review status: criteria provided, single submitter. Criteria: ACMG Guidelines, 2015. Collection method: clinical testing. Allele origin: germline. Affected: no.

Illumina Laboratory Services, Illumina
Classification: Benign for Retinitis pigmentosa. Last evaluated: 2018-01-12. Review status: criteria provided, single submitter. Criteria: ICSL Variant Classification Criteria 13 December 2019. Collection method: clinical testing. Allele origin: germline.
Comment: This variant was observed in the ICSL laboratory as part of a predisposition screen in an ostensibly healthy population. It had not been previously curated by ICSL or reported in the Human Gene Mutation Database (HGMD: prior to June 1st, 2018), and was therefore a candidate for classification through an automated scoring system. Utilizing variant allele frequency, disease prevalence and penetrance estimates, and inheritance mode, an automated score was calculated to assess if this variant is too frequent to cause the disease. Based on the score and internal cut-off values, a variant classified as benign is not then subjected to further curation. The score for this variant resulted in a classification of benign for this disease.

Illumina Laboratory Services, Illumina
Classification: Benign for Congenital stationary night blindness autosomal dominant 1. Last evaluated: 2018-01-12. Review status: criteria provided, single submitter. Criteria: ICSL Variant Classification Criteria 13 December 2019. Collection method: clinical testing. Allele origin: germline.
Comment: the same text as in the submission from Illumina Laboratory Services, Illumina above.

GeneDx
Classification: Benign. Last evaluated: 2015-03-03. Review status: criteria provided, single submitter. Criteria: GeneDx Variant Classification Process June 2021. Collection method: clinical testing. Allele origin: germline. Affected: yes.

Breakthrough Genomics
Classification: Benign. Review status: criteria provided, single submitter. Criteria: ACMG Guidelines, 2015. Collection method: not provided. Allele origin: germline. Inheritance: Autosomal dominant inheritance. Affected: yes.

PreventionGenetics, part of Exact Sciences
Classification: Benign. Review status: criteria provided, single submitter. Criteria: ACMG Guidelines, 2015. Collection method: clinical testing. Allele origin: germline.

NM_000539.3(RHO):c.696+4C>T

Gene: RHO (rhodopsin; plus strand). Cytogenetic location: 3q22.1.
Variant type: single nucleotide variant.
Coding change: c.696+4C>T on transcript NM_000539.3 (MANE Select); 4 bases into the intron after coding-DNA position 696, C replaced by T.
Molecular consequence: intron variant.
Genome position (GRCh38, 1-based): chr3:129,532,420, C>T. VCF-style: chr3-129532420-C-T. GRCh37 (hg19) VCF-style: chr3-129251263-C-T.
Identifiers: ClinVar variation 256384 (VCV000256384.18), dbSNP rs56340615, ClinGen allele CA2607243.
Genomic context (GRCh38, chr3:129,532,420, plus strand): 5'-ATCCCCATGATTATCATCTTTTTCTGCTATGGGCAGCTCGTCTTCACCGTCAAGGAGGTA[C>T]GGGCCGGGGGGTGGGCGGCCTCACGGCTCTGAGGGTCCAGCCCCCAGCATGCATCTGCGG-3'